The following is an entry in ClinVar:

NM_016203.4(PRKAG2):c.639C>G (p.Thr213=)

Gene: PRKAG2 (protein kinase AMP-activated non-catalytic subunit gamma 2; minus strand). Cytogenetic location: 7q36.1.
Variant type: single nucleotide variant.
Coding change: c.639C>G on transcript NM_016203.4 (MANE Select); coding-DNA position 639, C replaced by G.
Protein change: p.Thr213=; no amino-acid change (threonine 213 retained).
Molecular consequence: synonymous variant. On other transcripts: intron variant (5).
Genome position (GRCh38, 1-based): chr7:151,675,465, G>C on the plus strand (C>G on the coding strand, the complement: PRKAG2 is on the minus strand). VCF-style: chr7-151675465-G-C. GRCh37 (hg19) VCF-style: chr7-151372551-G-C.
Other names: c.507C>G, p.Thr169= (NM_001040633.2, NM_001407024.1, NM_001407026.1 and 1 more transcripts); c.267C>G, p.Thr89= (NM_001304527.2, NM_001363698.2, NM_001407028.1 and 1 more transcripts); c.639C>G, p.Thr213= (NM_001407021.1, NM_001407022.1, NM_001407023.1); c.321C>G, p.Thr107= (NM_001407032.1); c.467-80014C>G (NM_001407031.1); c.467-80011C>G (NM_001407030.1); c.361-43327C>G (NM_001407033.1); c.94+60435C>G (NM_001407037.1); and 1 more.
Identifiers: ClinVar variation 3071039 (VCV003071039.2), dbSNP rs140001300, ClinGen allele CA057743.

ClinVar aggregate classification (germline): Likely benign. Review status: criteria provided, multiple submitters, no conflicts (2 of 4 stars). 2 submissions from 2 submitters: Likely benign (2). Last evaluated 2023-05-16.

Conditions:
Hypertrophic cardiomyopathy. Also called: HYPERTROPHIC MYOCARDIOPATHY. Identifiers: Orphanet 217569, MedGen C0007194, MeSH D002312, MONDO:0005045, HP:0001639.
Cardiomyopathy (CMYO). Also called: Cardiomyopathies. Identifiers: Orphanet 167848, MedGen C0878544, MONDO:0004994, HP:0001638. Inheritance: Various modes of inheritance.

gnomAD v4.1: 1 of 1,614,188 alleles (0.000062%); highest among the groups gnomAD compares: Non-Finnish European, 0.000085%; no homozygotes.

Submissions (2):

All of Us Research Program, National Institutes of Health
Classification: Likely benign for Hypertrophic cardiomyopathy. Last evaluated: 2023-05-16. Review status: criteria provided, single submitter. Criteria: ACMG Guidelines, 2015. Collection method: clinical testing. Allele origin: germline. Inheritance: Autosomal dominant inheritance. Observed: 1 variant allele, 1 heterozygote.
Comment: This study involves interpretation of variants in research participants for the purpose of population health screening. Participant phenotype was not available at the time of variant classification. Additional details can be found in publication PMID: 35346344, PMCID: PMC8962531

Color Diagnostics, LLC DBA Color Health
Classification: Likely benign for Cardiomyopathy. Last evaluated: 2023-05-03. Review status: criteria provided, single submitter. Criteria: ACMG Guidelines, 2015. Collection method: clinical testing. Allele origin: germline.